The following is an entry in ClinVar:

ClinVar aggregate classification (germline): Conflicting classifications of pathogenicity. Review status: criteria provided, conflicting classifications (1 of 4 stars). 6 submissions from 6 submitters: Uncertain significance (1); Benign (2); Likely benign (2). 1 of the submissions does not count toward it. Last evaluated 2026-06-25.

Conditions:
RB1-related disorder. Also called: RB1-related condition.
Retinoblastoma (RB1). Also called: RETINOBLASTOMA, SOMATIC. Identifiers: Orphanet 790, MedGen C0035335, MeSH D012175, MONDO:0008380, OMIM 180200, HP:0009919. Disease mechanism: loss of function. Inheritance: Both sporadic and heritable forms are tested..

Allele frequency attached by ClinVar (database versions not stated): gnomAD exomes 0.00016; ESP Exome Variant Server 0.00031; gnomAD 0.00178 and 0.00212.
gnomAD v4.1: 85 of 702,060 alleles (0.012%); highest among the groups gnomAD compares: African/African-American, 0.26%; no homozygotes.

Submissions (6):

Myriad Genetics, Inc.
Classification: Benign for Retinoblastoma. Last evaluated: 2026-06-25. Review status: criteria provided, single submitter. Criteria: Myriad Autosomal Dominant, Autosomal Recessive and X-Linked Classification Criteria (2023). Collection method: clinical testing. Allele origin: unknown.
Comment: This variant is considered benign. This variant is intronic and is not expected to impact mRNA splicing. This variant has been observed at a population frequency that is significantly greater than expected given the associated disease prevalence and penetrance.

Labcorp Genetics (formerly Invitae), Labcorp
Classification: Likely benign for Retinoblastoma. Last evaluated: 2026-01-13. Review status: criteria provided, single submitter. Criteria: Invitae Variant Classification Sherloc (09022015). Collection method: clinical testing. Allele origin: germline.

Blueprint Genetics
Classification: Likely benign. Last evaluated: 2022-07-17. Review status: criteria provided, single submitter. Criteria: ACMG Guidelines, 2015. Collection method: clinical testing. Allele origin: germline.

Color Diagnostics, LLC DBA Color Health
Classification: Benign for Retinoblastoma. Last evaluated: 2022-05-03. Review status: criteria provided, single submitter. Criteria: ACMG Guidelines, 2015. Collection method: clinical testing. Allele origin: germline.

Eurofins Ntd Llc (ga)
Classification: Uncertain significance. Last evaluated: 2014-07-21. Review status: criteria provided, single submitter. Criteria: EGL Classification Definitions 2015. Collection method: clinical testing. Allele origin: germline. Observed: 1 variant allele, 1 heterozygote.

PreventionGenetics, part of Exact Sciences
Classification: Likely benign for RB1-related condition. Last evaluated: 2019-12-03. Review status: no assertion criteria provided. Collection method: clinical testing. Allele origin: germline. Not counted in ClinVar's aggregate classification.
Comment: This variant is classified as likely benign based on ACMG/AMP sequence variant interpretation guidelines (Richards et al. 2015 PMID: 25741868, with internal and published modifications).

NM_000321.3(RB1):c.2212-15A>G

Gene: RB1 (RB transcriptional corepressor 1; plus strand). Cytogenetic location: 13q14.2.
Variant type: single nucleotide variant.
Coding change: c.2212-15A>G on transcript NM_000321.3 (MANE Select); 15 bases into the intron before coding-DNA position 2212, A replaced by G.
Molecular consequence: intron variant.
Genome position (GRCh38, 1-based): chr13:48,464,983, A>G. VCF-style: chr13-48464983-A-G. GRCh37 (hg19) VCF-style: chr13-49039119-A-G.
Other names: c.2212-15A>G (NM_000321.2).
Identifiers: ClinVar variation 195646 (VCV000195646.16), dbSNP rs372815788, ClinGen allele CA026430.